The following is an entry in ClinVar:

NM_001378743.1(CYLD):c.1767G>C (p.Gly589=)

Gene: CYLD (CYLD lysine 63 deubiquitinase; plus strand). Cytogenetic location: 16q12.1.
Variant type: single nucleotide variant.
Coding change: c.1767G>C on transcript NM_001378743.1 (MANE Select); coding-DNA position 1767, G replaced by C.
Protein change: p.Gly589=; no amino-acid change (glycine 589 retained).
Molecular consequence: synonymous variant. On other transcripts: non-coding transcript variant (1).
Genome position (GRCh38, 1-based): chr16:50,782,407, G>C. VCF-style: chr16-50782407-G-C. GRCh37 (hg19) VCF-style: chr16-50816318-G-C.
Other names: c.1758G>C, p.Gly586= (NM_001042355.2, NM_001042412.3, NM_001378744.1 and 6 more transcripts); c.1728G>C, p.Gly576= (NM_001378751.1, NM_001378752.1, NM_001378753.1); c.1092G>C, p.Gly364= (NM_001378754.1, NM_001378755.1); c.1767G>C, p.Gly589= (NM_015247.3).
Identifiers: ClinVar variation 3905981 (VCV003905981.10).
Genomic context (GRCh38, chr16:50,782,407, plus strand): 5'-AGTAGTAGAAGAAAATACTCCACCAAAAATGGAAAAAGAAGGCTTGGAGATAATGATTGG[G>C]AAGAAGAAAGGCATCCAGGGTCATTACAATTCTTGTTACTTAGACTCAACCTTATTCTGG-3'
Protein context (NP_001365672.1, residues 579-599): MEKEGLEIMI[Gly589=]KKKGIQGHYN

ClinVar aggregate classification (germline): Likely benign (1 of 4 stars; one submission).

Submission:

CeGaT Center for Human Genetics Tuebingen
Classification: Likely benign. Last evaluated: 2025-05-01. Review status: criteria provided, single submitter. Criteria: CeGaT Center For Human Genetics Tuebingen Variant Classification Criteria Version 2. Collection method: clinical testing. Allele origin: germline. Affected: yes. Observed: 1 variant allele.
Comment: CYLD: PM2:Supporting, BP4, BP7